The following is an entry in ClinVar:

NM_001291303.3(FAT4):c.3488G>A (p.Arg1163Lys)

Gene: FAT4 (FAT atypical cadherin 4; plus strand). Cytogenetic location: 4q28.1.
Variant type: single nucleotide variant.
Coding change: c.3488G>A on transcript NM_001291303.3 (MANE Select); coding-DNA position 3488, G replaced by A.
Protein change: p.Arg1163Lys; replaces arginine 1163 with lysine.
Molecular consequence: missense variant.
Genome position (GRCh38, 1-based): chr4:125,319,899, G>A. VCF-style: chr4-125319899-G-A. GRCh37 (hg19) VCF-style: chr4-126241054-G-A.
Other names: c.3488G>A (NM_024582.5); c.3488G>A, p.Arg1163Lys (NM_001291285.3, NM_024582.6); short protein forms R1163K.
Identifiers: ClinVar variation 1405568 (VCV001405568.7), dbSNP rs375552506, ClinGen allele CA3072316.

ClinVar aggregate classification (germline): Uncertain significance. Review status: criteria provided, multiple submitters, no conflicts (2 of 4 stars). 4 submissions from 4 submitters: Uncertain significance (4). Last evaluated 2025-10-28.

Conditions:
Van Maldergem syndrome 2 (VMLDS2). Identifiers: Orphanet 314679, MedGen C3809875, MONDO:0014242, OMIM 615546.
Hennekam lymphangiectasia-lymphedema syndrome 2 (HKLLS2). Identifiers: Orphanet 2136, MedGen C4014939, MONDO:0014454, OMIM 616006.

Allele frequency attached by ClinVar (database versions not stated): gnomAD 0.00003; TOPMed 0.00003; ExAC 0.00004; gnomAD exomes 0.00004; ESP Exome Variant Server 0.00008.
gnomAD v4.1: 46 of 1,614,002 alleles (0.0029%); highest among the groups gnomAD compares: Non-Finnish European, 0.0036%; no homozygotes.

Submissions (4):

Labcorp Genetics (formerly Invitae), Labcorp
Classification: Uncertain significance. Last evaluated: 2025-10-28. Review status: criteria provided, single submitter. Criteria: Invitae Variant Classification Sherloc (09022015). Collection method: clinical testing. Allele origin: germline.
Comment: This sequence change replaces arginine, which is basic and polar, with lysine, which is basic and polar, at codon 1163 of the FAT4 protein (p.Arg1163Lys). This variant is present in population databases (rs375552506, gnomAD 0.007%). This variant has not been reported in the literature in individuals affected with FAT4-related conditions. ClinVar contains an entry for this variant (Variation ID: 1405568). Invitae Evidence Modeling of protein sequence and biophysical properties (such as structural, functional, and spatial information, amino acid conservation, physicochemical variation, residue mobility, and thermodynamic stability) indicates that this missense variant is not expected to disrupt FAT4 protein function with a negative predictive value of 80%. In summary, the available evidence is currently insufficient to determine the role of this variant in disease. Therefore, it has been classified as a Variant of Uncertain Significance.

Genomic Medicine Center of Excellence, King Faisal Specialist Hospital and Research Centre
Classification: Uncertain significance for Van Maldergem syndrome 2. Last evaluated: 2024-09-22. Review status: criteria provided, single submitter. Criteria: ACMG Guidelines, 2015. Collection method: clinical testing. Allele origin: germline.

Fulgent Genetics
Classification: Uncertain significance for Van Maldergem syndrome 2; Hennekam lymphangiectasia-lymphedema syndrome 2. Last evaluated: 2024-05-14. Review status: criteria provided, single submitter. Criteria: ACMG Guidelines, 2015. Collection method: clinical testing. Allele origin: germline.

Breakthrough Genomics
Classification: Uncertain significance. Review status: criteria provided, single submitter. Criteria: ACMG Guidelines, 2015. Collection method: not provided. Allele origin: germline. Inheritance: Autosomal recessive inheritance. Affected: yes.